The following is an entry in ClinVar:

NM_001267550.2(TTN):c.91712T>C (p.Met30571Thr)

Genes: TTN-AS1 (TTN antisense RNA 1; plus strand), TTN (titin; minus strand). Cytogenetic location: 2q31.2.
Variant type: single nucleotide variant.
Coding change: c.91712T>C on transcript NM_001267550.2 (MANE Select); coding-DNA position 91712, T replaced by C.
Protein change: p.Met30571Thr; replaces methionine 30571 with threonine.
Molecular consequence: missense variant.
Genome position (GRCh38, 1-based): chr2:178,550,126, A>G on the plus strand (T>C on the coding strand, the complement: TTN is on the minus strand). VCF-style: chr2-178550126-A-G. GRCh37 (hg19) VCF-style: chr2-179414853-A-G.
Other names: c.86789T>C, p.Met28930Thr (NM_001256850.1); c.64517T>C, p.Met21506Thr (NM_003319.4); c.84008T>C, p.Met28003Thr (NM_133378.4); c.64892T>C, p.Met21631Thr (NM_133432.3); c.65093T>C, p.Met21698Thr (NM_133437.4); c.91712T>C (NM_001267550.1); short protein forms M21698T, M21506T, M28003T, M28930T, M30571T, M21631T.
Identifiers: ClinVar variation 871696 (VCV000871696.43), dbSNP rs1392457168, ClinGen allele CA349497553.
Genomic context (GRCh38, chr2:178,550,126, plus strand): 5'-CGAGTAGCATCTCTAACAAATAGGCTGGTGGATCCAAGTACGTCGGTTATTTCCATATTC[A>G]TCCTCTTTTCGATTTCCACTCCATCTTTGAACCAAGTTACTCGAGGCACTGGTCTTCCTT-3'
Protein context (NP_001254479.2, residues 30561-30581): FKDGVEIEKR[Met30571Thr]NMEITDVLGS

ClinVar aggregate classification (germline): Uncertain significance. Review status: criteria provided, multiple submitters, no conflicts (2 of 4 stars). 3 submissions from 3 submitters: Uncertain significance (3). Last evaluated 2026-05-19.

Conditions:
TTN-related disorder. Also called: TTN-related disorders; TTN-related condition; TTN-related disease.

Allele frequency attached by ClinVar (database versions not stated): gnomAD exomes below 0.00001; TOPMed below 0.00001.
gnomAD v4.1: 2 of 1,613,688 alleles (0.00012%); highest among the groups gnomAD compares: African/African-American, 0.0013%; no homozygotes.

Submissions (3):

PreventionGenetics, part of Exact Sciences
Classification: Uncertain significance for TTN-related condition. Last evaluated: 2026-05-19. Review status: criteria provided, single submitter. Criteria: ACMG Guidelines, 2015. Collection method: clinical testing. Allele origin: germline.
Comment: The TTN c.91712T>C variant is predicted to result in the amino acid substitution p.Met30571Thr. To our knowledge, this variant has not been reported in the literature or in a large population database (gnomAD), indicating this variant is rare. At this time, the clinical significance of this variant is uncertain due to the absence of conclusive functional and genetic evidence.

GeneDx
Classification: Uncertain significance. Last evaluated: 2025-02-25. Review status: criteria provided, single submitter. Criteria: GeneDx Variant Classification Process June 2021. Collection method: clinical testing. Allele origin: germline. Affected: yes.
Comment: Not observed at significant frequency in large population cohorts (gnomAD); Missense variant in a gene in which most reported pathogenic variants are truncating/loss of function; Has not been previously published as pathogenic or benign to our knowledge

CeGaT Center for Human Genetics Tuebingen
Classification: Uncertain significance. Last evaluated: 2019-11-01. Review status: criteria provided, single submitter. Criteria: CeGaT Center For Human Genetics Tuebingen Variant Classification Criteria Version 2. Collection method: clinical testing. Allele origin: germline. Affected: yes. Observed: 1 variant allele.